The following is an entry in ClinVar:

ClinVar aggregate classification (germline): Uncertain significance (1 of 4 stars; one submission).

Conditions:
Ataxia-telangiectasia syndrome (AT). Also called: LOUIS-BAR SYNDROME; Cerebello-oculocutaneous telangiectasia; Immunodeficiency with ataxia telangiectasia; Ataxia telangiectasia (A-T); Ataxia-telangiectasia, complementation group D; AT, COMPLEMENTATION GROUP C. Identifiers: Orphanet 100, MedGen C0004135, MONDO:0008840, OMIM 208900.

Submission:

Labcorp Genetics (formerly Invitae), Labcorp
Classification: Uncertain significance for Ataxia-telangiectasia syndrome. Last evaluated: 2023-12-11. Review status: criteria provided, single submitter. Criteria: Invitae Variant Classification Sherloc (09022015). Collection method: clinical testing. Allele origin: germline.
Comment: This sequence change replaces leucine, which is neutral and non-polar, with arginine, which is basic and polar, at codon 1939 of the ATM protein (p.Leu1939Arg). This variant is not present in population databases (gnomAD no frequency). This variant has not been reported in the literature in individuals affected with ATM-related conditions. ClinVar contains an entry for this variant (Variation ID: 1520520). An algorithm developed to predict the effect of missense changes on protein structure and function (PolyPhen-2) suggests that this variant is likely to be disruptive. In summary, the available evidence is currently insufficient to determine the role of this variant in disease. Therefore, it has been classified as a Variant of Uncertain Significance.

NM_000051.4(ATM):c.5816T>G (p.Leu1939Arg)

Genes: ATM (ATM serine/threonine kinase; plus strand), C11orf65 (chromosome 11 open reading frame 65; minus strand). Cytogenetic location: 11q22.3.
Variant type: single nucleotide variant.
Coding change: c.5816T>G on transcript NM_000051.4 (MANE Select); coding-DNA position 5816, T replaced by G.
Protein change: p.Leu1939Arg; replaces leucine 1939 with arginine.
Molecular consequence: missense variant. On other transcripts: intron variant (2).
Genome position (GRCh38, 1-based): chr11:108,310,213, T>G. VCF-style: chr11-108310213-T-G. GRCh37 (hg19) VCF-style: chr11-108180940-T-G.
Other names: c.5816T>G, p.Leu1939Arg (NM_001351834.2); c.641-1142A>C (NM_001330368.2); c.*39-1142A>C (NM_001351110.2); short protein forms L1939R.
Identifiers: ClinVar variation 1520520 (VCV001520520.8), dbSNP rs1555110340, ClinGen allele CA382548391.